The following is an entry in ClinVar:

ClinVar aggregate classification (germline): Uncertain significance. Review status: criteria provided, multiple submitters, no conflicts (2 of 4 stars). 3 submissions from 3 submitters: Uncertain significance (3). Last evaluated 2025-08-29.

Conditions:
RASopathy. Also called: rasopathies; Noonan spectrum disorder. Identifiers: Orphanet 536391, MedGen C5555857, MONDO:0021060.
Cardiovascular phenotype. Identifiers: MedGen CN230736.

Allele frequency attached by ClinVar (database versions not stated): gnomAD exomes below 0.00001; TOPMed below 0.00001; gnomAD 0.00001.
gnomAD v4.1: 1 of 1,605,846 alleles (0.000062%); highest among the groups gnomAD compares: African/African-American, 0.0013%; no homozygotes.

Submissions (3):

Labcorp Genetics (formerly Invitae), Labcorp
Classification: Uncertain significance for RASopathy. Last evaluated: 2025-08-29. Review status: criteria provided, single submitter. Criteria: Invitae Variant Classification Sherloc (09022015). Collection method: clinical testing. Allele origin: germline.
Comment: This sequence change replaces aspartic acid, which is acidic and polar, with glutamic acid, which is acidic and polar, at codon 794 of the SOS1 protein (p.Asp794Glu). This variant is not present in population databases (gnomAD no frequency). This variant has not been reported in the literature in individuals affected with SOS1-related conditions. ClinVar contains an entry for this variant (Variation ID: 1189397). Invitae Evidence Modeling of protein sequence and biophysical properties (such as structural, functional, and spatial information, amino acid conservation, physicochemical variation, residue mobility, and thermodynamic stability) indicates that this missense variant is not expected to disrupt SOS1 protein function with a negative predictive value of 95%. In summary, the available evidence is currently insufficient to determine the role of this variant in disease. Therefore, it has been classified as a Variant of Uncertain Significance.

Ambry Genetics
Classification: Uncertain significance for Cardiovascular phenotype. Last evaluated: 2025-03-25. Review status: criteria provided, single submitter. Criteria: Ambry Variant Classification Scheme 2023. Collection method: clinical testing. Allele origin: germline.

GeneDx
Classification: Uncertain significance. Last evaluated: 2019-10-10. Review status: criteria provided, single submitter. Criteria: GeneDx Variant Classification Process June 2021. Collection method: clinical testing. Allele origin: germline. Affected: yes.
Comment: Not observed in large population cohorts (Lek et al., 2016); The majority of missense variants in this gene are considered pathogenic (Stenson et al., 2014); In silico analysis, which includes protein predictors and evolutionary conservation, supports that this variant does not alter protein structure/function; Has not been previously published as pathogenic or benign to our knowledge

NM_005633.4(SOS1):c.2382T>A (p.Asp794Glu)

Gene: SOS1 (SOS Ras/Rac guanine nucleotide exchange factor 1; minus strand). Cytogenetic location: 2p22.1.
Variant type: single nucleotide variant.
Coding change: c.2382T>A on transcript NM_005633.4 (MANE Select); coding-DNA position 2382, T replaced by A.
Protein change: p.Asp794Glu; replaces aspartic acid 794 with glutamic acid.
Molecular consequence: missense variant.
Genome position (GRCh38, 1-based): chr2:39,012,134, A>T on the plus strand (T>A on the coding strand, the complement: SOS1 is on the minus strand). VCF-style: chr2-39012134-A-T. GRCh37 (hg19) VCF-style: chr2-39239275-A-T.
Other names: c.2361T>A, p.Asp787Glu (NM_001382394.1); c.2382T>A, p.Asp794Glu (NM_001382395.1); short protein forms D787E, D794E.
Identifiers: ClinVar variation 1189397 (VCV001189397.4), dbSNP rs1317203797, ClinGen allele CA346364005.